The following is an entry in ClinVar:

ClinVar aggregate classification (germline): Likely benign. Review status: criteria provided, multiple submitters, no conflicts (2 of 4 stars). 2 submissions from 2 submitters: Likely benign (2). Last evaluated 2026-04-18.

Conditions:
Nephronophthisis 15 (NPHP15). Identifiers: Orphanet 3156, MedGen C3541853, MONDO:0013917, OMIM 614845.
CEP164-related disorder. Also called: CEP164-related condition.

Allele frequency attached by ClinVar (database versions not stated): 1000 Genomes Project 30x 0.00016; 1000 Genomes Project 0.00020.
gnomAD v4.1: 2 of 1,612,396 alleles (0.00012%); highest among the groups gnomAD compares: East Asian, 0.0022%; no homozygotes.

Submissions (2):

PreventionGenetics, part of Exact Sciences
Classification: Likely benign for CEP164-related condition. Last evaluated: 2026-04-18. Review status: criteria provided, single submitter. Criteria: ACMG Guidelines, 2015. Collection method: clinical testing. Allele origin: germline.
Comment: This variant is classified as likely benign based on ACMG/AMP sequence variant interpretation guidelines (Richards et al. 2015 PMID: 25741868, with internal and published modifications).

Labcorp Genetics (formerly Invitae), Labcorp
Classification: Likely benign for Nephronophthisis 15. Last evaluated: 2023-03-02. Review status: criteria provided, single submitter. Criteria: Invitae Variant Classification Sherloc (09022015). Collection method: clinical testing. Allele origin: germline.

NM_014956.5(CEP164):c.1707G>T (p.Pro569=)

Gene: CEP164 (centrosomal protein 164; plus strand). Cytogenetic location: 11q23.3.
Variant type: single nucleotide variant.
Coding change: c.1707G>T on transcript NM_014956.5 (MANE Select); coding-DNA position 1707, G replaced by T.
Protein change: p.Pro569=; no amino-acid change (proline 569 retained).
Molecular consequence: synonymous variant.
Genome position (GRCh38, 1-based): chr11:117,382,925, G>T. VCF-style: chr11-117382925-G-T. GRCh37 (hg19) VCF-style: chr11-117253641-G-T.
Other names: c.1716G>T, p.Pro572= (NM_001271933.2); c.1707G>T (NM_014956.4).
Identifiers: ClinVar variation 2837912 (VCV002837912.4), dbSNP rs182370374, ClinGen allele CA6294832.